The following is an entry in ClinVar:

NM_001452.2(FOXF2):c.447C>T (p.Arg149=)

Genes: FOXF2 (forkhead box F2; plus strand), FOXF2-DT (FOXF2 divergent transcript; minus strand), MIR6720 (microRNA 6720; minus strand). Cytogenetic location: 6p25.3.
Variant type: single nucleotide variant.
Coding change: c.447C>T on transcript NM_001452.2 (MANE Select); coding-DNA position 447, C replaced by T.
Protein change: p.Arg149=; no amino-acid change (arginine 149 retained).
Molecular consequence: synonymous variant. On other transcripts: non-coding transcript variant (1).
Genome position (GRCh38, 1-based): chr6:1,390,394, C>T. VCF-style: chr6-1390394-C-T. GRCh37 (hg19) VCF-style: chr6-1390629-C-T.
Identifiers: ClinVar variation 3036232 (VCV003036232.2), dbSNP rs1407972713, ClinGen allele CA448392843.

ClinVar aggregate classification (germline): Likely benign (0 of 4 stars; one submission).

Conditions:
FOXF2-related disorder. Also called: FOXF2-related condition.

Allele frequency attached by ClinVar (database versions not stated): gnomAD exomes below 0.00001; TOPMed 0.00001.
gnomAD v4.1: 3 of 1,612,036 alleles (0.00019%); highest among the groups gnomAD compares: South Asian, 0.0011%; no homozygotes.

Submission:

PreventionGenetics, part of Exact Sciences
Classification: Likely benign for FOXF2-related condition. Last evaluated: 2020-05-22. Review status: no assertion criteria provided. Collection method: clinical testing. Allele origin: germline.
Comment: This variant is classified as likely benign based on ACMG/AMP sequence variant interpretation guidelines (Richards et al. 2015 PMID: 25741868, with internal and published modifications).